The following is an entry in ClinVar:

NM_021942.6(TRAPPC11):c.2242A>G (p.Ile748Val)

Genes: TRAPPC11 (trafficking protein particle complex subunit 11; plus strand), LOC126807238 (BRD4-independent group 4 enhancer GRCh37_chr4:184614366-184615565; plus strand). Cytogenetic location: 4q35.1.
Variant type: single nucleotide variant.
Coding change: c.2242A>G on transcript NM_021942.6 (MANE Select); coding-DNA position 2242, A replaced by G.
Protein change: p.Ile748Val; replaces isoleucine 748 with valine.
Molecular consequence: missense variant.
Genome position (GRCh38, 1-based): chr4:183,693,593, A>G. VCF-style: chr4-183693593-A-G. GRCh37 (hg19) VCF-style: chr4-184614746-A-G.
Other names: c.2242A>G, p.Ile748Val (NM_199053.3); short protein forms I748V.
Identifiers: ClinVar variation 656089 (VCV000656089.8), dbSNP rs368432060, ClinGen allele CA3152146.

ClinVar aggregate classification (germline): Uncertain significance. Review status: criteria provided, multiple submitters, no conflicts (2 of 4 stars). 2 submissions from 2 submitters: Uncertain significance (2). Last evaluated 2025-05-02.

Conditions:
Autosomal recessive limb-girdle muscular dystrophy type R18 (LGMDR18). Also called: Autosomal recessive limb-girdle muscular dystrophy type 2S; Limb-girdle muscular dystrophy, type 2S; MUSCULAR DYSTROPHY, LIMB-GIRDLE, AUTOSOMAL RECESSIVE 18. Identifiers: Orphanet 369840, MedGen C4517996, MONDO:0014144, OMIM 615356.

Allele frequency attached by ClinVar (database versions not stated): ExAC 0.00002; gnomAD 0.00002; TOPMed 0.00004; ESP Exome Variant Server 0.00008; gnomAD exomes 0.00002 and 0.00006.
gnomAD v4.1: 87 of 1,604,706 alleles (0.0054%); highest among the groups gnomAD compares: South Asian, 0.0091%; no homozygotes.

Submissions (2):

Revvity Omics, Revvity
Classification: Uncertain significance for Autosomal recessive limb-girdle muscular dystrophy type R18. Last evaluated: 2025-05-02. Review status: criteria provided, single submitter. Criteria: ACMG Guidelines, 2015. Collection method: clinical testing. Allele origin: germline.

Labcorp Genetics (formerly Invitae), Labcorp
Classification: Uncertain significance for Autosomal recessive limb-girdle muscular dystrophy type R18. Last evaluated: 2021-08-20. Review status: criteria provided, single submitter. Criteria: Invitae Variant Classification Sherloc (09022015). Collection method: clinical testing. Allele origin: germline.
Comment: This sequence change replaces isoleucine with valine at codon 748 of the TRAPPC11 protein (p.Ile748Val). The isoleucine residue is moderately conserved and there is a small physicochemical difference between isoleucine and valine. This variant is present in population databases (rs368432060, ExAC 0.01%). This variant has not been reported in the literature in individuals affected with TRAPPC11-related conditions. Algorithms developed to predict the effect of missense changes on protein structure and function (SIFT, PolyPhen-2, Align-GVGD) all suggest that this variant is likely to be tolerated. In summary, the available evidence is currently insufficient to determine the role of this variant in disease. Therefore, it has been classified as a Variant of Uncertain Significance.